The following is an entry in ClinVar:

NM_001105206.3(LAMA4):c.2286G>T (p.Trp762Cys)

Gene: LAMA4 (laminin subunit alpha 4; minus strand). Cytogenetic location: 6q21.
Variant type: single nucleotide variant.
Coding change: c.2286G>T on transcript NM_001105206.3 (MANE Select); coding-DNA position 2286, G replaced by T.
Protein change: p.Trp762Cys; replaces tryptophan 762 with cysteine.
Molecular consequence: missense variant.
Genome position (GRCh38, 1-based): chr6:112,148,224, C>A on the plus strand (G>T on the coding strand, the complement: LAMA4 is on the minus strand). VCF-style: chr6-112148224-C-A. GRCh37 (hg19) VCF-style: chr6-112469426-C-A.
Other names: c.2265G>T, p.Trp755Cys (NM_001105207.3, NM_002290.5); short protein forms W762C, W755C.
Identifiers: ClinVar variation 1788699 (VCV001788699.2), dbSNP rs782153667, ClinGen allele CA3965517.

ClinVar aggregate classification (germline): Uncertain significance (1 of 4 stars; one submission).

Conditions:
Cardiovascular phenotype. Identifiers: MedGen CN230736.

Allele frequency attached by ClinVar (database versions not stated): gnomAD exomes below 0.00001; ExAC 0.00001.
gnomAD v4.1: 3 of 1,614,164 alleles (0.00019%); highest among the groups gnomAD compares: Non-Finnish European, 0.00025%; no homozygotes.

Submission:

Ambry Genetics
Classification: Uncertain significance for Cardiovascular phenotype. Last evaluated: 2021-09-26. Review status: criteria provided, single submitter. Criteria: Ambry Variant Classification Scheme 2023. Collection method: clinical testing. Allele origin: germline.
Comment: The p.W755C variant (also known as c.2265G>T), located in coding exon 17 of the LAMA4 gene, results from a G to T substitution at nucleotide position 2265. The tryptophan at codon 755 is replaced by cysteine, an amino acid with highly dissimilar properties. This amino acid position is conserved. In addition, the in silico prediction for this alteration is inconclusive. Since supporting evidence is limited at this time, the clinical significance of this alteration remains unclear.